The following is an entry in ClinVar:

NM_001999.4(FBN2):c.3041A>C (p.His1014Pro)

Genes: FBN2 (fibrillin 2; minus strand), LOC126807501 (BRD4-independent group 4 enhancer GRCh37_chr5:127680731-127681930; plus strand). Cytogenetic location: 5q23.3.
Variant type: single nucleotide variant.
Coding change: c.3041A>C on transcript NM_001999.4 (MANE Select); coding-DNA position 3041, A replaced by C.
Protein change: p.His1014Pro; replaces histidine 1014 with proline.
Molecular consequence: missense variant.
Genome position (GRCh38, 1-based): chr5:128,345,533, T>G on the plus strand (A>C on the coding strand, the complement: FBN2 is on the minus strand). VCF-style: chr5-128345533-T-G. GRCh37 (hg19) VCF-style: chr5-127681225-T-G.
Other names: c.3041A>C (NM_001999.3); short protein forms H1014P.
Identifiers: ClinVar variation 1158040 (VCV001158040.14), dbSNP rs551801199, ClinGen allele CA3395344.

ClinVar aggregate classification (germline): Likely benign. Review status: criteria provided, multiple submitters, no conflicts (2 of 4 stars). 4 submissions from 4 submitters: Likely benign (3). 1 of the submissions does not count toward it. Last evaluated 2025-12-22.

Conditions:
FBN2-related disorder. Also called: FBN2-related condition.
Familial thoracic aortic aneurysm and aortic dissection (TAAD). Also called: Thoracic aortic aneurysms and dissections. Identifiers: Orphanet 91387, MedGen C4707243, MONDO:0019625.
Congenital contractural arachnodactyly (CCA). Also called: BEALS SYNDROME; Beals-Hecht syndrome; Arthrogryposis, distal, type 9. Identifiers: Orphanet 115, MedGen C0220668, MONDO:0007363, OMIM 121050.

Allele frequency attached by ClinVar (database versions not stated): gnomAD 0.00002 and 0.00003; TOPMed 0.00004; gnomAD exomes 0.00010; ExAC 0.00012; 1000 Genomes Project 30x 0.00016; 1000 Genomes Project 0.00020.

Submissions (4):

Labcorp Genetics (formerly Invitae), Labcorp
Classification: Likely benign for Congenital contractural arachnodactyly. Last evaluated: 2025-12-22. Review status: criteria provided, single submitter. Criteria: Invitae Variant Classification Sherloc (09022015). Collection method: clinical testing. Allele origin: germline.

Blueprint Genetics
Classification: Likely benign. Last evaluated: 2024-03-07. Review status: criteria provided, single submitter. Criteria: ACMG Guidelines, 2015. Collection method: clinical testing. Allele origin: germline.

Ambry Genetics
Classification: Likely benign for Familial thoracic aortic aneurysm and aortic dissection. Last evaluated: 2023-07-03. Review status: criteria provided, single submitter. Criteria: Ambry Variant Classification Scheme 2023. Collection method: clinical testing. Allele origin: germline.

PreventionGenetics, part of Exact Sciences
Classification: Likely benign for FBN2-related condition. Last evaluated: 2022-04-27. Review status: no assertion criteria provided. Collection method: clinical testing. Allele origin: germline. Not counted in ClinVar's aggregate classification.
Comment: This variant is classified as likely benign based on ACMG/AMP sequence variant interpretation guidelines (Richards et al. 2015 PMID: 25741868, with internal and published modifications).